The following is an entry in ClinVar:

ClinVar aggregate classification (germline): Likely pathogenic (1 of 4 stars; one submission).

Conditions:
Neurodegeneration with brain iron accumulation 5 (NBIA5). Also called: STATIC ENCEPHALOPATHY OF CHILDHOOD WITH NEURODEGENERATION IN ADULTHOOD; Beta-propeller protein-associated neurodegeneration. Identifiers: Orphanet 329284, MedGen C3550973, MONDO:0010476, OMIM 300894.

Submission:

Labcorp Genetics (formerly Invitae), Labcorp
Classification: Likely pathogenic for Neurodegeneration with brain iron accumulation 5. Last evaluated: 2022-12-30. Review status: criteria provided, single submitter. Criteria: Invitae Variant Classification Sherloc (09022015). Collection method: clinical testing. Allele origin: germline.
Comment: In summary, the currently available evidence indicates that the variant is pathogenic, but additional data are needed to prove that conclusively. Therefore, this variant has been classified as Likely Pathogenic. Experimental studies have shown that this missense change affects WDR45 function (PMID: 34368840). Advanced modeling of protein sequence and biophysical properties (such as structural, functional, and spatial information, amino acid conservation, physicochemical variation, residue mobility, and thermodynamic stability) performed at Invitae indicates that this missense variant is expected to disrupt WDR45 protein function. This missense change has been observed in individual(s) with neurodegeneration with brain iron accumulation (PMID: 23176820). In at least one individual the variant was observed to be de novo. This variant is not present in population databases (gnomAD no frequency). This sequence change replaces asparagine, which is neutral and polar, with lysine, which is basic and polar, at codon 61 of the WDR45 protein (p.Asn61Lys).

Literature cited by the submitters: PubMed 34368840; PubMed 23176820.

NM_001029896.2(WDR45):c.183C>G (p.Asn61Lys)

Genes: WDR45 (WD repeat domain 45; minus strand), LOC126863256 (BRD4-independent group 4 enhancer GRCh37_chrX:48934848-48936047; plus strand). Cytogenetic location: Xp11.23.
Variant type: single nucleotide variant.
Coding change: c.183C>G on transcript NM_001029896.2 (MANE Select); coding-DNA position 183, C replaced by G.
Protein change: p.Asn61Lys; replaces asparagine 61 with lysine.
Molecular consequence: missense variant.
Genome position (GRCh38, 1-based): chrX:49,077,695, G>C on the plus strand (C>G on the coding strand, the complement: WDR45 is on the minus strand). VCF-style: chrX-49077695-G-C. GRCh37 (hg19) VCF-style: chrX-48935354-G-C.
Other names: c.183C>G, p.Asn61Lys (NM_007075.4); short protein forms N61K.
Identifiers: ClinVar variation 2805589 (VCV002805589.3), dbSNP rs2065045729, ClinGen allele CA412949148.